The following is an entry in ClinVar:

NM_006985.4(NPIPA1):c.815C>A (p.Thr272Asn)

Gene: NPIPA1 (nuclear pore complex interacting protein family member A1; plus strand). Cytogenetic location: 16p13.11.
Variant type: single nucleotide variant.
Coding change: c.815C>A on transcript NM_006985.4 (MANE Select); coding-DNA position 815, C replaced by A.
Protein change: p.Thr272Asn; replaces threonine 272 with asparagine.
Molecular consequence: missense variant. On other transcripts: non-coding transcript variant (1).
Genome position (GRCh38, 1-based): chr16:14,951,787, C>A. VCF-style: chr16-14951787-C-A. GRCh37 (hg19) VCF-style: chr16-15045644-C-A.
Other names: short protein forms T272N.
Identifiers: ClinVar variation 2343014 (VCV002343014.26), dbSNP rs201684129, ClinGen allele CA7914465.

ClinVar aggregate classification (germline): Conflicting classifications of pathogenicity. Review status: criteria provided, conflicting classifications (1 of 4 stars). 2 submissions from 2 submitters: Uncertain significance (1); Likely benign (1). Last evaluated 2023-11-28.

Allele frequency attached by ClinVar (database versions not stated): 1000 Genomes Project 0.00200; gnomAD 0.00076.

Submissions (2):

Ambry Genetics
Classification: Uncertain significance. Last evaluated: 2023-11-28. Review status: criteria provided, single submitter. Criteria: Ambry Variant Classification Scheme 2023. Collection method: clinical testing. Allele origin: germline.

CeGaT Center for Human Genetics Tuebingen
Classification: Likely benign. Last evaluated: 2023-02-01. Review status: criteria provided, single submitter. Criteria: CeGaT Center For Human Genetics Tuebingen Variant Classification Criteria Version 2. Collection method: clinical testing. Allele origin: germline. Affected: yes. Observed: 2 variant alleles.
Comment: NPIPA1: BP4, BS2